The following is an entry in ClinVar:

ClinVar aggregate classification (germline): Benign/Likely benign. Review status: criteria provided, multiple submitters, no conflicts (2 of 4 stars). 7 submissions from 7 submitters: Benign (1); Likely benign (3). 3 of the submissions do not count toward it. Last evaluated 2026-02-01.

Conditions:
Ventriculomegaly-cystic kidney disease. Also called: Ventriculomegaly with cystic kidney disease. Identifiers: Orphanet 443988, MedGen C1857423, MONDO:0009063, OMIM 219730.
Focal segmental glomerulosclerosis 9 (FSGS9). Identifiers: Orphanet 656, MedGen C4015555, MONDO:0014539, OMIM 616220.
CRB2-related disorder. Also called: CRB2-related disorders; CRB2-related condition.

Allele frequency attached by ClinVar (database versions not stated): gnomAD 0.00083 and 0.00092; TOPMed 0.00084; ESP Exome Variant Server 0.00093; 1000 Genomes Project 0.00100; gnomAD exomes 0.00121 and 0.00148; 1000 Genomes Project 30x 0.00141; ExAC 0.00152.
gnomAD v4.1: 2,240 of 1,594,012 alleles (0.14%); highest among the groups gnomAD compares: South Asian, 0.3%; 6 homozygotes.

Submissions (7):

Labcorp Genetics (formerly Invitae), Labcorp
Classification: Benign. Last evaluated: 2026-02-01. Review status: criteria provided, single submitter. Criteria: Invitae Variant Classification Sherloc (09022015). Collection method: clinical testing. Allele origin: germline.

Blueprint Genetics
Classification: Likely benign. Last evaluated: 2024-11-13. Review status: criteria provided, single submitter. Criteria: ACMG Guidelines, 2015. Collection method: clinical testing. Allele origin: germline.

CeGaT Center for Human Genetics Tuebingen
Classification: Likely benign. Last evaluated: 2022-05-01. Review status: criteria provided, single submitter. Criteria: CeGaT Center For Human Genetics Tuebingen Variant Classification Criteria Version 2. Collection method: clinical testing. Allele origin: germline. Affected: yes. Observed: 1 variant allele.
Comment: CRB2: BP4, BP7

Fulgent Genetics
Classification: Likely benign for Ventriculomegaly-cystic kidney disease; Focal segmental glomerulosclerosis 9. Last evaluated: 2022-03-23. Review status: criteria provided, single submitter. Criteria: ACMG Guidelines, 2015. Collection method: clinical testing. Allele origin: unknown.

PreventionGenetics, part of Exact Sciences
Classification: Likely benign for CRB2-related condition. Last evaluated: 2019-08-06. Review status: no assertion criteria provided. Collection method: clinical testing. Allele origin: germline. Not counted in ClinVar's aggregate classification.
Comment: This variant is classified as likely benign based on ACMG/AMP sequence variant interpretation guidelines (Richards et al. 2015 PMID: 25741868, with internal and published modifications).

Clinical Genetics DNA and cytogenetics Diagnostics Lab, Erasmus MC, Erasmus Medical Center
Classification: Likely benign. Review status: no assertion criteria provided. Collection method: clinical testing. Allele origin: germline. Affected: yes. Study: VKGL Data-share Consensus. Not counted in ClinVar's aggregate classification.

Genome Diagnostics Laboratory, University Medical Center Utrecht
Classification: Likely benign. Review status: no assertion criteria provided. Collection method: clinical testing. Allele origin: germline. Affected: yes. Study: VKGL Data-share Consensus. Not counted in ClinVar's aggregate classification.

NM_173689.7(CRB2):c.516C>T (p.Cys172=)

Gene: CRB2 (crumbs cell polarity complex component 2; plus strand). Cytogenetic location: 9q33.3.
Variant type: single nucleotide variant.
Coding change: c.516C>T on transcript NM_173689.7 (MANE Select); coding-DNA position 516, C replaced by T.
Protein change: p.Cys172=; no amino-acid change (cysteine 172 retained).
Molecular consequence: synonymous variant.
Genome position (GRCh38, 1-based): chr9:123,366,014, C>T. VCF-style: chr9-123366014-C-T. GRCh37 (hg19) VCF-style: chr9-126128293-C-T.
Identifiers: ClinVar variation 727181 (VCV000727181.38), dbSNP rs146687164, ClinGen allele CA5231689.